The following is an entry in ClinVar:

ClinVar aggregate classification (germline): Uncertain significance (1 of 4 stars; one submission).

Conditions:
DICER1-related tumor predisposition. Also called: DICER1-related pleuropulmonary blastoma cancer predisposition syndrome; DICER1 syndrome. Identifiers: Orphanet 284343, MedGen C3839822, MONDO:0100216.

Submission:

Labcorp Genetics (formerly Invitae), Labcorp
Classification: Uncertain significance for DICER1-related tumor predisposition. Last evaluated: 2022-04-01. Review status: criteria provided, single submitter. Criteria: Invitae Variant Classification Sherloc (09022015). Collection method: clinical testing. Allele origin: germline.
Comment: In summary, the available evidence is currently insufficient to determine the role of this variant in disease. Therefore, it has been classified as a Variant of Uncertain Significance. Algorithms developed to predict the effect of missense changes on protein structure and function are either unavailable or do not agree on the potential impact of this missense change (SIFT: "Deleterious"; PolyPhen-2: "Probably Damaging"; Align-GVGD: "Class C0"). This variant has not been reported in the literature in individuals affected with DICER1-related conditions. This variant is not present in population databases (gnomAD no frequency). This sequence change replaces aspartic acid, which is acidic and polar, with asparagine, which is neutral and polar, at codon 1522 of the DICER1 protein (p.Asp1522Asn).

NM_177438.3(DICER1):c.4564G>A (p.Asp1522Asn)

Gene: DICER1 (dicer 1, ribonuclease III; minus strand). Cytogenetic location: 14q32.13.
Variant type: single nucleotide variant.
Coding change: c.4564G>A on transcript NM_177438.3 (MANE Select); coding-DNA position 4564, G replaced by A.
Protein change: p.Asp1522Asn; replaces aspartic acid 1522 with asparagine.
Molecular consequence: missense variant. On other transcripts: non-coding transcript variant (6).
Genome position (GRCh38, 1-based): chr14:95,096,356, C>T on the plus strand (G>A on the coding strand, the complement: DICER1 is on the minus strand). VCF-style: chr14-95096356-C-T. GRCh37 (hg19) VCF-style: chr14-95562693-C-T.
Other names: c.4564G>A, p.Asp1522Asn (NM_001195573.1, NM_001271282.3, NM_001291628.2 and 13 more transcripts); c.4282G>A, p.Asp1428Asn (NM_001395686.1); c.4159G>A, p.Asp1387Asn (NM_001395687.1, NM_001395688.1, NM_001395689.1 and 2 more transcripts); c.3997G>A, p.Asp1333Asn (NM_001395691.1); c.2881G>A, p.Asp961Asn (NM_001395697.1); short protein forms D1428N, D1387N, D961N, D1333N, D1522N.
Identifiers: ClinVar variation 2049530 (VCV002049530.4), dbSNP rs2542496063, ClinGen allele CA390867806.